The following is an entry in ClinVar:

ClinVar aggregate classification (germline): Likely benign. Review status: criteria provided, multiple submitters, no conflicts (2 of 4 stars). 2 submissions from 2 submitters: Likely benign (2). Last evaluated 2025-03-27.

Conditions:
Bardet-Biedl syndrome (BBS). Identifiers: Orphanet 110, MedGen C0752166, MONDO:0015229.
TRIM32-related disorder. Also called: TRIM32-related condition.

Submissions (2):

Labcorp Genetics (formerly Invitae), Labcorp
Classification: Likely benign for Bardet-Biedl syndrome. Last evaluated: 2025-03-27. Review status: criteria provided, single submitter. Criteria: Invitae Variant Classification Sherloc (09022015). Collection method: clinical testing. Allele origin: germline.

PreventionGenetics, part of Exact Sciences
Classification: Likely benign for TRIM32-related condition. Last evaluated: 2024-11-26. Review status: criteria provided, single submitter. Criteria: ACMG Guidelines, 2015. Collection method: clinical testing. Allele origin: germline.
Comment: This variant is classified as likely benign based on ACMG/AMP sequence variant interpretation guidelines (Richards et al. 2015 PMID: 25741868, with internal and published modifications).

NM_012210.4(TRIM32):c.489G>A (p.Leu163=)

Genes: ASTN2 (astrotactin 2; minus strand), TRIM32 (tripartite motif containing 32; plus strand). Cytogenetic location: 9q33.1.
Variant type: single nucleotide variant.
Coding change: c.489G>A on transcript NM_012210.4 (MANE Select); coding-DNA position 489, G replaced by A.
Protein change: p.Leu163=; no amino-acid change (leucine 163 retained).
Molecular consequence: synonymous variant. On other transcripts: intron variant (3).
Genome position (GRCh38, 1-based): chr9:116,698,231, G>A. VCF-style: chr9-116698231-G-A. GRCh37 (hg19) VCF-style: chr9-119460510-G-A.
Other names: c.489G>A, p.Leu163= (NM_001099679.2, NM_001379048.1, NM_001379049.1 and 1 more transcripts); c.2653+27540C>T (NM_014010.5); c.2794+27540C>T (NM_001365069.1); c.2806+27540C>T (NM_001365068.1).
Identifiers: ClinVar variation 4773698 (VCV004773698.2).